The following is an entry in ClinVar:

NM_001401501.2(MUC16):c.12349A>T (p.Thr4117Ser)

Gene: MUC16 (mucin 16, cell surface associated; minus strand). Cytogenetic location: 19p13.2.
Variant type: single nucleotide variant.
Coding change: c.12349A>T on transcript NM_001401501.2 (MANE Select); coding-DNA position 12349, A replaced by T.
Protein change: p.Thr4117Ser; replaces threonine 4117 with serine.
Molecular consequence: missense variant.
Genome position (GRCh38, 1-based): chr19:8,964,541, T>A on the plus strand (A>T on the coding strand, the complement: MUC16 is on the minus strand). VCF-style: chr19-8964541-T-A. GRCh37 (hg19) VCF-style: chr19-9075217-T-A.
Other names: c.12775A>T, p.Thr4259Ser (NM_001414686.1); c.12229A>T, p.Thr4077Ser (NM_001414687.1, NM_024690.2); short protein forms T4077S, T4117S, T4259S.
Identifiers: ClinVar variation 3060874 (VCV003060874.2), dbSNP rs2547068, ClinGen allele CA9171071.

ClinVar aggregate classification (germline): Benign (0 of 4 stars; one submission).

Conditions:
MUC16-related disorder. Also called: MUC16-related condition.

Allele frequency attached by ClinVar (database versions not stated): 1000 Genomes Project 0.24281; 1000 Genomes Project 30x 0.24360; gnomAD 0.25629; TOPMed 0.25804; ESP Exome Variant Server 0.25904; ExAC 0.26187; gnomAD exomes 0.29247.

Submission:

PreventionGenetics, part of Exact Sciences
Classification: Benign for MUC16-related condition. Last evaluated: 2019-10-22. Review status: no assertion criteria provided. Collection method: clinical testing. Allele origin: germline.
Comment: This variant is classified as benign based on ACMG/AMP sequence variant interpretation guidelines (Richards et al. 2015 PMID: 25741868, with internal and published modifications).